The following is an entry in ClinVar:

NM_001040142.2(SCN2A):c.788C>G (p.Ala263Gly)

Gene: SCN2A (sodium voltage-gated channel alpha subunit 2; plus strand). Cytogenetic location: 2q24.3.
Variant type: single nucleotide variant.
Coding change: c.788C>G on transcript NM_001040142.2 (MANE Select); coding-DNA position 788, C replaced by G.
Protein change: p.Ala263Gly; replaces alanine 263 with glycine.
Molecular consequence: missense variant.
Genome position (GRCh38, 1-based): chr2:165,310,413, C>G. VCF-style: chr2-165310413-C-G. GRCh37 (hg19) VCF-style: chr2-166166923-C-G.
Other names: c.788C>G, p.Ala263Gly (NM_001040143.2, NM_001371246.1, NM_001371247.1 and 1 more transcripts); short protein forms A263G.
Identifiers: ClinVar variation 2939257 (VCV002939257.3), dbSNP rs387906686, ClinGen allele CA349018095.

ClinVar aggregate classification (germline): Likely pathogenic (1 of 4 stars; one submission).

Conditions:
Seizures, benign familial infantile, 3 (BFIS3). Also called: CONVULSIONS, BENIGN FAMILIAL INFANTILE, 3; Familial neonatal seizures. Identifiers: Orphanet 140927, Orphanet 306, MedGen C1843140, MONDO:0011904, OMIM 607745.
Developmental and epileptic encephalopathy, 11 (DEE11). Also called: Early infantile epileptic encephalopathy 11. Identifiers: Orphanet 1934, MedGen C3150987, MONDO:0013388, OMIM 613721.

Submission:

Labcorp Genetics (formerly Invitae), Labcorp
Classification: Likely pathogenic for Seizures, benign familial infantile, 3; Developmental and epileptic encephalopathy, 11. Last evaluated: 2024-03-07. Review status: criteria provided, single submitter. Criteria: Invitae Variant Classification Sherloc (09022015). Collection method: clinical testing. Allele origin: germline.
Comment: This sequence change replaces alanine, which is neutral and non-polar, with glycine, which is neutral and non-polar, at codon 263 of the SCN2A protein (p.Ala263Gly). This variant is not present in population databases (gnomAD no frequency). This variant has not been reported in the literature in individuals affected with SCN2A-related conditions. Advanced modeling of protein sequence and biophysical properties (such as structural, functional, and spatial information, amino acid conservation, physicochemical variation, residue mobility, and thermodynamic stability) performed at Invitae indicates that this missense variant is expected to disrupt SCN2A protein function with a positive predictive value of 95%. This variant disrupts the p.Ala263 amino acid residue in SCN2A. Other variant(s) that disrupt this residue have been determined to be pathogenic (PMID: 20956790, 32488064; Invitae). This suggests that this residue is clinically significant, and that variants that disrupt this residue are likely to be disease-causing. In summary, the currently available evidence indicates that the variant is pathogenic, but additional data are needed to prove that conclusively. Therefore, this variant has been classified as Likely Pathogenic.

Literature cited by the submitters: PubMed 20956790; PubMed 32488064.